The following is an entry in ClinVar:

ClinVar aggregate classification (germline): Uncertain significance (1 of 4 stars; one submission).

Conditions:
Cardiovascular phenotype. Identifiers: MedGen CN230736.

Submission:

Ambry Genetics
Classification: Uncertain significance for Cardiovascular phenotype. Last evaluated: 2019-03-25. Review status: criteria provided, single submitter. Criteria: Ambry Variant Classification Scheme 2023. Collection method: clinical testing. Allele origin: germline.
Comment: The p.V152M variant (also known as c.454G>A), located in coding exon 2 of the SNTA1 gene, results from a G to A substitution at nucleotide position 454. The valine at codon 152 is replaced by methionine, an amino acid with highly similar properties. This amino acid position is highly conserved in available vertebrate species. In addition, this alteration is predicted to be deleterious by in silico analysis. Since supporting evidence is limited at this time, the clinical significance of this alteration remains unclear.

NM_003098.3(SNTA1):c.454G>A (p.Val152Met)

Gene: SNTA1 (syntrophin alpha 1; minus strand). Cytogenetic location: 20q11.21.
Variant type: single nucleotide variant.
Coding change: c.454G>A on transcript NM_003098.3 (MANE Select); coding-DNA position 454, G replaced by A.
Protein change: p.Val152Met; replaces valine 152 with methionine.
Molecular consequence: missense variant.
Genome position (GRCh38, 1-based): chr20:33,438,883, C>T on the plus strand (G>A on the coding strand, the complement: SNTA1 is on the minus strand). VCF-style: chr20-33438883-C-T. GRCh37 (hg19) VCF-style: chr20-32026689-C-T.
Other names: short protein forms V152M.
Identifiers: ClinVar variation 1741423 (VCV001741423.2), dbSNP rs2515121739, ClinGen allele CA408633380.